The following is an entry in ClinVar:

NM_015192.4(PLCB1):c.2829C>A (p.Asp943Glu)

Gene: PLCB1 (phospholipase C beta 1; plus strand). Cytogenetic location: 20p12.3.
Variant type: single nucleotide variant.
Coding change: c.2829C>A on transcript NM_015192.4 (MANE Select); coding-DNA position 2829, C replaced by A.
Protein change: p.Asp943Glu; replaces aspartic acid 943 with glutamic acid.
Molecular consequence: missense variant.
Genome position (GRCh38, 1-based): chr20:8,765,257, C>A. VCF-style: chr20-8765257-C-A. GRCh37 (hg19) VCF-style: chr20-8745904-C-A.
Other names: c.2829C>A, p.Asp943Glu (NM_182734.3); c.2829C>A (NM_015192.2); short protein forms D943E.
Identifiers: ClinVar variation 650882 (VCV000650882.11), dbSNP rs745349550, ClinGen allele CA9760388.

ClinVar aggregate classification (germline): Uncertain significance. Review status: criteria provided, multiple submitters, no conflicts (2 of 4 stars). 2 submissions from 2 submitters: Uncertain significance (2). Last evaluated 2025-08-05.

Conditions:
Developmental and epileptic encephalopathy, 12 (DEE12). Identifiers: MedGen C3150988, MONDO:0013389, OMIM 613722.
Inborn genetic diseases. Identifiers: MedGen C0950123, MeSH D030342.

Allele frequency attached by ClinVar (database versions not stated): gnomAD exomes 0.00001 and 0.00002; TOPMed 0.00001; ExAC 0.00002.
gnomAD v4.1: 5 of 1,613,868 alleles (0.00031%); highest among the groups gnomAD compares: Admixed American, 0.0067%; no homozygotes.

Submissions (2):

Ambry Genetics
Classification: Uncertain significance for Inborn genetic diseases. Last evaluated: 2025-08-05. Review status: criteria provided, single submitter. Criteria: Ambry Variant Classification Scheme 2023. Collection method: clinical testing. Allele origin: germline.

Labcorp Genetics (formerly Invitae), Labcorp
Classification: Uncertain significance for Developmental and epileptic encephalopathy, 12. Last evaluated: 2024-02-23. Review status: criteria provided, single submitter. Criteria: Invitae Variant Classification Sherloc (09022015). Collection method: clinical testing. Allele origin: germline.
Comment: This sequence change replaces aspartic acid, which is acidic and polar, with glutamic acid, which is acidic and polar, at codon 943 of the PLCB1 protein (p.Asp943Glu). This variant is present in population databases (rs745349550, gnomAD 0.01%). This variant has not been reported in the literature in individuals affected with PLCB1-related conditions. ClinVar contains an entry for this variant (Variation ID: 650882). Advanced modeling of protein sequence and biophysical properties (such as structural, functional, and spatial information, amino acid conservation, physicochemical variation, residue mobility, and thermodynamic stability) performed at Invitae indicates that this missense variant is not expected to disrupt PLCB1 protein function with a negative predictive value of 80%. In summary, the available evidence is currently insufficient to determine the role of this variant in disease. Therefore, it has been classified as a Variant of Uncertain Significance.